The following is an entry in ClinVar:

ClinVar aggregate classification (germline): Likely benign. Review status: criteria provided, multiple submitters, no conflicts (2 of 4 stars). 2 submissions from 2 submitters: Likely benign (2). Last evaluated 2026-01-01.

Conditions:
Spastic paraplegia. Identifiers: MedGen C0037772, HP:0001258.

Allele frequency attached by ClinVar (database versions not stated): gnomAD 0.00001; TOPMed 0.00002; ESP Exome Variant Server 0.00008.
gnomAD v4.1: 94 of 1,613,892 alleles (0.0058%); highest among the groups gnomAD compares: Non-Finnish European, 0.0078%; 1 homozygote.

Submissions (2):

CeGaT Center for Human Genetics Tuebingen
Classification: Likely benign. Last evaluated: 2026-01-01. Review status: criteria provided, single submitter. Criteria: CeGaT Center For Human Genetics Tuebingen Variant Classification Criteria Version 2. Collection method: clinical testing. Allele origin: germline. Affected: yes. Observed: 2 variant alleles.
Comment: ZFYVE26: BP4, BP7

Labcorp Genetics (formerly Invitae), Labcorp
Classification: Likely benign for Spastic paraplegia. Last evaluated: 2024-02-29. Review status: criteria provided, single submitter. Criteria: Invitae Variant Classification Sherloc (09022015). Collection method: clinical testing. Allele origin: germline.

NM_015346.4(ZFYVE26):c.1311C>T (p.His437=)

Gene: ZFYVE26 (zinc finger FYVE-type containing 26; minus strand). Cytogenetic location: 14q24.1.
Variant type: single nucleotide variant.
Coding change: c.1311C>T on transcript NM_015346.4 (MANE Select); coding-DNA position 1311, C replaced by T.
Protein change: p.His437=; no amino-acid change (histidine 437 retained).
Molecular consequence: synonymous variant.
Genome position (GRCh38, 1-based): chr14:67,804,225, G>A on the plus strand (C>T on the coding strand, the complement: ZFYVE26 is on the minus strand). VCF-style: chr14-67804225-G-A. GRCh37 (hg19) VCF-style: chr14-68270942-G-A.
Identifiers: ClinVar variation 699827 (VCV000699827.15), dbSNP rs148836697, ClinGen allele CA7240551.